The following is an entry in ClinVar:

NM_003000.3(SDHB):c.619C>T (p.Leu207=)

Gene: SDHB (succinate dehydrogenase complex iron sulfur subunit B; minus strand). Cytogenetic location: 1p36.13.
Variant type: single nucleotide variant.
Coding change: c.619C>T on transcript NM_003000.3 (MANE Select); coding-DNA position 619, C replaced by T.
Protein change: p.Leu207=; no amino-acid change (leucine 207 retained).
Molecular consequence: synonymous variant.
Genome position (GRCh38, 1-based): chr1:17,023,996, G>A on the plus strand (C>T on the coding strand, the complement: SDHB is on the minus strand). VCF-style: chr1-17023996-G-A. GRCh37 (hg19) VCF-style: chr1-17350491-G-A.
Identifiers: ClinVar variation 798980 (VCV000798980.8), dbSNP rs1570945806, ClinGen allele CA416082925.

ClinVar aggregate classification (germline): Benign/Likely benign. Review status: criteria provided, multiple submitters, no conflicts (2 of 4 stars). 2 submissions from 2 submitters: Benign (1); Likely benign (1). Last evaluated 2025-03-16.

Conditions:
Pheochromocytoma/paraganglioma syndrome 4. Also called: SDHB-Related Hereditary Paraganglioma-Pheochromocytoma Syndrome (Paragangliomas 4); SDHB-Related Hereditary Paraganglioma-Pheochromocytoma Syndrome; Paragangliomas 4; CAROTID BODY TUMORS AND MULTIPLE EXTRAADRENAL PHEOCHROMOCYTOMAS; PARAGANGLIOMA, FAMILIAL MALIGNANT; PARAGANGLIOMAS, HEREDITARY EXTRAADRENAL. Identifiers: Orphanet 29072, MedGen C1861848, MONDO:0007273, OMIM 115310.
Gastrointestinal stromal tumor. Also called: Gastrointestinal stromal tumor, somatic; Gastrointestinal stroma tumor. Identifiers: Orphanet 44890, MedGen C0238198, MeSH D046152, MONDO:0011719, OMIM 606764, HP:0100723.
Pheochromocytoma. Also called: MAX-Related Hereditary Paraganglioma-Pheochromocytoma Syndrome. Identifiers: Orphanet 29072, MedGen C0031511, MONDO:0008233, OMIM 171300, HP:0002666.

Submissions (2):

Labcorp Genetics (formerly Invitae), Labcorp
Classification: Likely benign for Gastrointestinal stromal tumor; Pheochromocytoma/paraganglioma syndrome 4; Pheochromocytoma. Last evaluated: 2025-03-16. Review status: criteria provided, single submitter. Criteria: Invitae Variant Classification Sherloc (09022015). Collection method: clinical testing. Allele origin: germline.

Myriad Genetics, Inc.
Classification: Benign for Pheochromocytoma/paraganglioma syndrome 4. Last evaluated: 2025-03-13. Review status: criteria provided, single submitter. Criteria: Myriad Autosomal Dominant, Autosomal Recessive and X-Linked Classification Criteria (2023). Collection method: clinical testing. Allele origin: unknown.
Comment: This variant is considered benign. This variant is a silent/synonymous amino acid change and it is not expected to impact splicing.